The following is an entry in ClinVar:

ClinVar aggregate classification (germline): Likely benign (1 of 4 stars; one submission).

gnomAD v4.1: 72 of 1,531,650 alleles (0.0047%); highest among the groups gnomAD compares: Admixed American, 0.046%; no homozygotes.

Submission:

CeGaT Center for Human Genetics Tuebingen
Classification: Likely benign. Last evaluated: 2025-08-01. Review status: criteria provided, single submitter. Criteria: CeGaT Center For Human Genetics Tuebingen Variant Classification Criteria Version 2. Collection method: clinical testing. Allele origin: germline. Affected: yes. Observed: 1 variant allele.
Comment: IQSEC1: BP4, BP7

NM_001134382.3(IQSEC1):c.3231G>A (p.Pro1077=)

Gene: IQSEC1 (IQ motif and Sec7 domain ArfGEF 1; minus strand). Cytogenetic location: 3p25.2.
Variant type: single nucleotide variant.
Coding change: c.3231G>A on transcript NM_001134382.3 (MANE Select); coding-DNA position 3231, G replaced by A.
Protein change: p.Pro1077=; no amino-acid change (proline 1077 retained).
Molecular consequence: synonymous variant. On other transcripts: 3 prime UTR variant (1), intron variant (1).
Genome position (GRCh38, 1-based): chr3:12,901,097, C>T on the plus strand (G>A on the coding strand, the complement: IQSEC1 is on the minus strand). VCF-style: chr3-12901097-C-T. GRCh37 (hg19) VCF-style: chr3-12942596-C-T.
Other names: c.*412G>A (NM_001330619.3); c.3555G>A, p.Pro1185= (NM_001376938.2); c.2848-1663G>A (NM_014869.8).
Identifiers: ClinVar variation 4084296 (VCV004084296.8).
Genomic context (GRCh38, chr3:12,901,097, plus strand): 5'-CGGGGCAGGGGGCTGCCCATGGTGGTGCACTGTGTGCCCCACGTGGGCCGAGGGCAGCGG[C>T]GGGTGGCCGTGGGCATGGGCCCCGTAGGCTGGGTGGCCCCCATGGGGGCCGTGGTGGTAC-3'
Protein context (NP_001127854.1, residues 1067-1087): PAYGAHAHGH[Pro1077=]PLPSAHVGHT